The following is an entry in ClinVar:

NM_001330588.2(TPP2):c.833A>G (p.Glu278Gly)

Gene: TPP2 (tripeptidyl peptidase 2; plus strand). Cytogenetic location: 13q33.1.
Variant type: single nucleotide variant.
Coding change: c.833A>G on transcript NM_001330588.2 (MANE Select); coding-DNA position 833, A replaced by G.
Protein change: p.Glu278Gly; replaces glutamic acid 278 with glycine.
Molecular consequence: missense variant. On other transcripts: non-coding transcript variant (1).
Genome position (GRCh38, 1-based): chr13:102,627,060, A>G. VCF-style: chr13-102627060-A-G. GRCh37 (hg19) VCF-style: chr13-103279410-A-G.
Other names: c.833A>G, p.Glu278Gly (NM_001367947.1, NM_003291.4); short protein forms E278G.
Identifiers: ClinVar variation 846919 (VCV000846919.9), dbSNP rs749761916, ClinGen allele CA388479782.

ClinVar aggregate classification (germline): Uncertain significance (1 of 4 stars; one submission).

Conditions:
Evans syndrome, immunodeficiency, and premature immunosenescence associated with tripeptidyl-peptidase II deficiency. Identifiers: MedGen CN231723. Disease mechanism: loss of function.

Submission:

Labcorp Genetics (formerly Invitae), Labcorp
Classification: Uncertain significance for Evans syndrome, immunodeficiency, and premature immunosenescence associated with tripeptidyl-peptidase II deficiency. Last evaluated: 2019-11-18. Review status: criteria provided, single submitter. Criteria: Invitae Variant Classification Sherloc (09022015). Collection method: clinical testing. Allele origin: germline.
Comment: This variant is not present in population databases (ExAC no frequency). In summary, the available evidence is currently insufficient to determine the role of this variant in disease. Therefore, it has been classified as a Variant of Uncertain Significance. Algorithms developed to predict the effect of missense changes on protein structure and function (SIFT, PolyPhen-2, Align-GVGD) all suggest that this variant is likely to be tolerated, but these predictions have not been confirmed by published functional studies and their clinical significance is uncertain. This variant has not been reported in the literature in individuals with TPP2-related conditions. This sequence change replaces glutamic acid with glycine at codon 278 of the TPP2 protein (p.Glu278Gly). The glutamic acid residue is moderately conserved and there is a moderate physicochemical difference between glutamic acid and glycine.